The following is an entry in ClinVar:

ClinVar aggregate classification (germline): Benign/Likely benign. Review status: criteria provided, multiple submitters, no conflicts (2 of 4 stars). 2 submissions from 2 submitters: Benign (1); Likely benign (1). Last evaluated 2024-07-26.

Conditions:
Familial cancer of breast. Also called: BREAST CANCER, FAMILIAL; Hereditary breast cancer; hereditary breast carcinoma. Identifiers: Orphanet 227535, MedGen C0346153, MONDO:0016419, OMIM 114480. Disease mechanism: loss of function.
Hereditary cancer-predisposing syndrome. Also called: Neoplastic Syndromes, Hereditary; Tumor predisposition; Hereditary neoplastic syndrome; Hereditary Cancer Syndrome. Identifiers: Orphanet 140162, MedGen C0027672, MeSH D009386, MONDO:0015356.

Submissions (2):

Myriad Genetics, Inc.
Classification: Benign for Familial cancer of breast. Last evaluated: 2024-07-26. Review status: criteria provided, single submitter. Criteria: Myriad Autosomal Dominant, Autosomal Recessive and X-Linked Classification Criteria (2023). Collection method: clinical testing. Allele origin: unknown.
Comment: This variant is considered benign. This variant is a silent/synonymous amino acid change and it is not expected to impact splicing.

Ambry Genetics
Classification: Likely benign for Hereditary cancer-predisposing syndrome. Last evaluated: 2023-11-09. Review status: criteria provided, single submitter. Criteria: Ambry Variant Classification Scheme 2023. Collection method: clinical testing. Allele origin: germline.

NM_000465.4(BARD1):c.1722C>A (p.Gly574=)

Gene: BARD1 (BRCA1 associated RING domain 1; minus strand). Cytogenetic location: 2q35.
Variant type: single nucleotide variant.
Coding change: c.1722C>A on transcript NM_000465.4 (MANE Select); coding-DNA position 1722, C replaced by A.
Protein change: p.Gly574=; no amino-acid change (glycine 574 retained).
Molecular consequence: synonymous variant. On other transcripts: non-coding transcript variant (3), intron variant (1).
Genome position (GRCh38, 1-based): chr2:214,745,810, G>T on the plus strand (C>A on the coding strand, the complement: BARD1 is on the minus strand). VCF-style: chr2-214745810-G-T. GRCh37 (hg19) VCF-style: chr2-215610534-G-T.
Other names: c.1665C>A, p.Gly555= (NM_001282543.2); c.369C>A, p.Gly123= (NM_001282545.2); c.312C>A, p.Gly104= (NM_001282548.2); c.365-15302C>A (NM_001282549.2).
Identifiers: ClinVar variation 3231777 (VCV003231777.2), dbSNP rs1574739503, ClinGen allele CA431145942.